The following is an entry in ClinVar:

ClinVar aggregate classification (germline): Uncertain significance. Review status: criteria provided, multiple submitters, no conflicts (2 of 4 stars). 5 submissions from 5 submitters: Uncertain significance (5). Last evaluated 2025-07-29.

Conditions:
TUB-related disorder. Also called: TUB-related condition.

Allele frequency attached by ClinVar (database versions not stated): gnomAD 0.00002; TOPMed 0.00002; ExAC 0.00004; gnomAD exomes 0.00004 and 0.00005.
gnomAD v4.1: 83 of 1,614,034 alleles (0.0051%); highest among the groups gnomAD compares: Middle Eastern, 0.016%; no homozygotes.

Submissions (5):

PreventionGenetics, part of Exact Sciences
Classification: Uncertain significance for TUB-related condition. Last evaluated: 2025-07-29. Review status: criteria provided, single submitter. Criteria: ACMG Guidelines, 2015. Collection method: clinical testing. Allele origin: germline.
Comment: The TUB c.463C>T variant is predicted to result in the amino acid substitution p.Arg155Cys. To our knowledge, this variant has not been reported in the literature. This variant is reported in 0.0085% of alleles in individuals of European (non-Finnish) descent in gnomAD. At this time, the clinical significance of this variant is uncertain due to the absence of conclusive functional and genetic evidence.

Ambry Genetics
Classification: Uncertain significance. Last evaluated: 2023-10-14. Review status: criteria provided, single submitter. Criteria: Ambry Variant Classification Scheme 2023. Collection method: clinical testing. Allele origin: germline.

Blueprint Genetics
Classification: Uncertain significance. Last evaluated: 2022-08-22. Review status: criteria provided, single submitter. Criteria: ACMG Guidelines, 2015. Collection method: clinical testing. Allele origin: germline.

Labcorp Genetics (formerly Invitae), Labcorp
Classification: Uncertain significance. Last evaluated: 2022-02-14. Review status: criteria provided, single submitter. Criteria: Invitae Variant Classification Sherloc (09022015). Collection method: clinical testing. Allele origin: germline.
Comment: This sequence change replaces arginine, which is basic and polar, with cysteine, which is neutral and slightly polar, at codon 155 of the TUB protein (p.Arg155Cys). This variant is present in population databases (rs751661721, gnomAD 0.01%). This variant has not been reported in the literature in individuals affected with TUB-related conditions. ClinVar contains an entry for this variant (Variation ID: 1026722). Algorithms developed to predict the effect of missense changes on protein structure and function are either unavailable or do not agree on the potential impact of this missense change (SIFT: "Deleterious"; PolyPhen-2: "Benign"; Align-GVGD: "Class C0"). In summary, the available evidence is currently insufficient to determine the role of this variant in disease. Therefore, it has been classified as a Variant of Uncertain Significance.

Breakthrough Genomics
Classification: Uncertain significance. Review status: criteria provided, single submitter. Criteria: ACMG Guidelines, 2015. Collection method: not provided. Allele origin: germline. Inheritance: Autosomal recessive inheritance. Affected: yes.

NM_177972.3(TUB):c.298C>T (p.Arg100Cys)

Genes: TUB (TUB bipartite transcription factor; plus strand), RIC3 (RIC3 acetylcholine receptor chaperone; minus strand). Cytogenetic location: 11p15.4.
Variant type: single nucleotide variant.
Coding change: c.298C>T on transcript NM_177972.3 (MANE Select); coding-DNA position 298, C replaced by T.
Protein change: p.Arg100Cys; replaces arginine 100 with cysteine.
Molecular consequence: missense variant. On other transcripts: non-coding transcript variant (1).
Genome position (GRCh38, 1-based): chr11:8,094,090, C>T. VCF-style: chr11-8094090-C-T. GRCh37 (hg19) VCF-style: chr11-8115637-C-T.
Other names: c.463C>T, p.Arg155Cys (NM_003320.5); c.463C>T (NM_003320.4); short protein forms R100C, R155C.
Identifiers: ClinVar variation 1026722 (VCV001026722.11), dbSNP rs751661721, ClinGen allele CA5871036.